The following is an entry in ClinVar:

NM_000334.4(SCN4A):c.4568G>A (p.Gly1523Asp)

Genes: GH-LCR (growth hormone locus control region; plus strand), SCN4A (sodium voltage-gated channel alpha subunit 4; minus strand). Cytogenetic location: 17q23.3.
Variant type: single nucleotide variant.
Coding change: c.4568G>A on transcript NM_000334.4 (MANE Select); coding-DNA position 4568, G replaced by A.
Protein change: p.Gly1523Asp; replaces glycine 1523 with aspartic acid.
Molecular consequence: missense variant.
Genome position (GRCh38, 1-based): chr17:63,941,714, C>T on the plus strand (G>A on the coding strand, the complement: SCN4A is on the minus strand). VCF-style: chr17-63941714-C-T. GRCh37 (hg19) VCF-style: chr17-62019074-C-T.
Other names: short protein forms G1523D.
Identifiers: ClinVar variation 570502 (VCV000570502.20), dbSNP rs1285419994, ClinGen allele CA400615733.
Genomic context (GRCh38, chr17:63,941,714, plus strand): 5'-TTGAGGAGCCCGTCCCAGCCGGCCGACGTGGTGATCTCGAACAGGCAGATGATGCTGTTG[C>T]CGAAGGTCTCGAAGTTGAACATATCATCGATGCCCGACTCCTTCTTGACGTAGGCAAAGT-3'
Protein context (NP_000325.4, residues 1513-1533): IDDMFNFETF[Gly1523Asp]NSIICLFEIT

ClinVar aggregate classification (germline): Uncertain significance. Review status: criteria provided, multiple submitters, no conflicts (2 of 4 stars). 2 submissions from 2 submitters: Uncertain significance (2). Last evaluated 2024-01-02.

Conditions:
Hyperkalemic periodic paralysis. Also called: Gamstorp disease; Familial hyperkalemic periodic paralysis. Identifiers: Orphanet 682, MedGen C0238357, MONDO:0008224, OMIM 170500, HP:0007215.

Allele frequency attached by ClinVar (database versions not stated): gnomAD exomes below 0.00001; TOPMed 0.00001.
gnomAD v4.1: 1 of 1,614,038 alleles (0.000062%); highest among the groups gnomAD compares: Non-Finnish European, 0.000085%; no homozygotes.

Submissions (2):

Labcorp Genetics (formerly Invitae), Labcorp
Classification: Uncertain significance for Hyperkalemic periodic paralysis. Last evaluated: 2024-01-02. Review status: criteria provided, single submitter. Criteria: Invitae Variant Classification Sherloc (09022015). Collection method: clinical testing. Allele origin: germline.
Comment: This sequence change replaces glycine, which is neutral and non-polar, with aspartic acid, which is acidic and polar, at codon 1523 of the SCN4A protein (p.Gly1523Asp). This variant is not present in population databases (gnomAD no frequency). This variant has not been reported in the literature in individuals affected with SCN4A-related conditions. ClinVar contains an entry for this variant (Variation ID: 570502). Advanced modeling of protein sequence and biophysical properties (such as structural, functional, and spatial information, amino acid conservation, physicochemical variation, residue mobility, and thermodynamic stability) has been performed at Invitae for this missense variant, however the output from this modeling did not meet the statistical confidence thresholds required to predict the impact of this variant on SCN4A protein function. In summary, the available evidence is currently insufficient to determine the role of this variant in disease. Therefore, it has been classified as a Variant of Uncertain Significance.

Revvity Omics, Revvity
Classification: Uncertain significance. Last evaluated: 2020-10-06. Review status: criteria provided, single submitter. Criteria: ACMG Guidelines, 2015. Collection method: clinical testing. Allele origin: germline.